The following is an entry in ClinVar:

NM_024306.5(FA2H):c.790C>T (p.Pro264Ser)

Gene: FA2H (fatty acid 2-hydroxylase; minus strand). Cytogenetic location: 16q23.1.
Variant type: single nucleotide variant.
Coding change: c.790C>T on transcript NM_024306.5 (MANE Select); coding-DNA position 790, C replaced by T.
Protein change: p.Pro264Ser; replaces proline 264 with serine.
Molecular consequence: missense variant.
Genome position (GRCh38, 1-based): chr16:74,716,596, G>A on the plus strand (C>T on the coding strand, the complement: FA2H is on the minus strand). VCF-style: chr16-74716596-G-A. GRCh37 (hg19) VCF-style: chr16-74750494-G-A.
Other names: short protein forms P264S.
Identifiers: ClinVar variation 2421319 (VCV002421319.6), dbSNP rs2544312575, ClinGen allele CA396769326.
Genomic context (GRCh38, chr16:74,716,596, plus strand): 5'-AGACGCCGATCACCAGGGAGGCTGGCACAGGGGGGAAGACCAGGCGGGAGCCGTCGAAGG[G>A]TGCCTGCAGATGGAGAGGCTTGGGCATCAGGAGGCAGCCAGGGGCCCCGGCAGCTGGCCA-3'
Protein context (NP_077282.3, residues 254-274): FVMHGQHHKA[Pro264Ser]FDGSRLVFPP

ClinVar aggregate classification (germline): Uncertain significance (1 of 4 stars; one submission).

Conditions:
Spastic paraplegia. Identifiers: MedGen C0037772, HP:0001258.

gnomAD v4.1: 2 of 1,557,196 alleles (0.00013%); highest among the groups gnomAD compares: South Asian, 0.0012%; no homozygotes.

Submission:

Labcorp Genetics (formerly Invitae), Labcorp
Classification: Uncertain significance for Spastic paraplegia. Last evaluated: 2025-10-22. Review status: criteria provided, single submitter. Criteria: Invitae Variant Classification Sherloc (09022015). Collection method: clinical testing. Allele origin: germline.
Comment: This sequence change replaces proline, which is neutral and non-polar, with serine, which is neutral and polar, at codon 264 of the FA2H protein (p.Pro264Ser). This variant is not present in population databases (gnomAD no frequency). This variant has not been reported in the literature in individuals affected with FA2H-related conditions. ClinVar contains an entry for this variant (Variation ID: 2421319). Invitae Evidence Modeling of protein sequence and biophysical properties (such as structural, functional, and spatial information, amino acid conservation, physicochemical variation, residue mobility, and thermodynamic stability) indicates that this missense variant is expected to disrupt FA2H protein function with a positive predictive value of 80%. In summary, the available evidence is currently insufficient to determine the role of this variant in disease. Therefore, it has been classified as a Variant of Uncertain Significance.